The following is an entry in ClinVar:

ClinVar aggregate classification (germline): Pathogenic/Likely pathogenic. Review status: criteria provided, multiple submitters, no conflicts (2 of 4 stars). 8 submissions from 8 submitters: Pathogenic (7); Likely pathogenic (1). Last evaluated 2026-01-11.

Conditions:
Leber congenital amaurosis (LCA). Also called: Leber's amaurosis. Identifiers: Orphanet 65, MedGen C0339527, MeSH D057130, MONDO:0018998.
Bardet-Biedl syndrome 14 (BBS14). Identifiers: Orphanet 110, MedGen C2673874, MONDO:0014442, OMIM 615991.
Senior-Loken syndrome 6 (SLSN6). Identifiers: Orphanet 3156, MedGen C1857779, MONDO:0012433, OMIM 610189.
Leber congenital amaurosis 10 (LCA10). Identifiers: Orphanet 65, MedGen C1857821, MONDO:0012723, OMIM 611755.
Joubert syndrome 5 (JBTS5). Identifiers: Orphanet 2318, MedGen C1857780, MONDO:0012432, OMIM 610188.
Meckel syndrome, type 4 (MKS4). Also called: MECKEL-GRUBER SYNDROME, TYPE 4. Identifiers: Orphanet 564, MedGen C1970161, MONDO:0012626, OMIM 611134.
CEP290-related ciliopathy. Also called: CEP290 ciliopathy. Identifiers: MedGen CN305601, MONDO:0100451.
CEP290-related disorder. Also called: CEP290-related condition; CEP290-related disorders. Identifiers: MedGen CN239314.
Meckel-Gruber syndrome. Also called: DYSENCEPHALIA SPLANCHNOCYSTICA; Dysencephalia splachnocystica; GRUBER SYNDROME. Identifiers: Orphanet 564, MedGen C0265215, MONDO:0018921.
Joubert syndrome. Also called: JOUBERT-BOLTSHAUSER SYNDROME; Familial aplasia of the vermis. Identifiers: Orphanet 475, MedGen C5979921, MONDO:0018772.
Nephronophthisis. Also called: Juvenile Nephronophthisis. Identifiers: Orphanet 655, MedGen C0687120, MONDO:0019005, HP:0000090.

Submissions (8):

Labcorp Genetics (formerly Invitae), Labcorp
Classification: Pathogenic for Joubert syndrome; Meckel-Gruber syndrome; Nephronophthisis. Last evaluated: 2026-01-11. Review status: criteria provided, single submitter. Criteria: Invitae Variant Classification Sherloc (09022015). Collection method: clinical testing. Allele origin: germline.
Comment: This sequence change creates a premature translational stop signal (p.Glu238*) in the CEP290 gene. It is expected to result in an absent or disrupted protein product. Loss-of-function variants in CEP290 are known to be pathogenic (PMID: 16909394, 17345604, 20690115). This variant is not present in population databases (gnomAD no frequency). This premature translational stop signal has been observed in individual(s) with Leber congenital amaurosis (PMID: 29398085). ClinVar contains an entry for this variant (Variation ID: 1185813). For these reasons, this variant has been classified as Pathogenic.

Natera, Inc.
Classification: Pathogenic for Leber congenital amaurosis. Last evaluated: 2025-12-02. Review status: criteria provided, single submitter. Criteria: Natera Variant Classification Schema (03/2026). Collection method: clinical testing. Allele origin: germline.
Comment: The c.712G>T variant in CEP290 is a nonsense variant predicted to introduce a stop codon at amino acid 238. This variant is expected to result in nonsense mediated decay, truncation, or a dysfunctional protein product. This variant is rare in the general population with a frequency below the threshold expected for the associated phenotype(s). This variant has been observed in one or more individuals affected with the associated recessive disease, as either homozygous or compound heterozygous with a second variant (PMID: 29398085). Given the available evidence, this variant is classified as Pathogenic.

Women's Health and Genetics/Laboratory Corporation of America, LabCorp
Classification: Pathogenic for CEP290-related disorder. Last evaluated: 2024-09-26. Review status: criteria provided, single submitter. Criteria: LabCorp Variant Classification Summary - May 2015. Collection method: clinical testing. Allele origin: germline.
Comment: Variant summary: CEP290 c.712G>T (p.Glu238X) results in a premature termination codon, predicted to cause a truncation of the encoded protein or absence of the protein due to nonsense mediated decay, which are commonly known mechanisms for disease. The variant was absent in 94982 control chromosomes. c.712G>T has been reported in the literature in at least one compound heterozygous individual affected with Leber congenital amaurosis (Sheck_2018). The following publication has been ascertained in the context of this evaluation (PMID: 29398085). ClinVar contains an entry for this variant (Variation ID: 1185813). Based on the evidence outlined above, the variant was classified as pathogenic.

Blueprint Genetics
Classification: Likely pathogenic for CEP290-related disorders. Last evaluated: 2024-09-09. Review status: criteria provided, single submitter. Criteria: ACMG Guidelines, 2015. Collection method: clinical testing. Allele origin: germline. Affected: yes. Observed: 1 variant allele.

Myriad Genetics, Inc.
Classification: Pathogenic for CEP290-related ciliopathy. Last evaluated: 2024-06-11. Review status: criteria provided, single submitter. Criteria: Myriad Autosomal Dominant, Autosomal Recessive and X-Linked Classification Criteria (2023). Collection method: clinical testing. Allele origin: unknown.
Comment: NM_025114.3(CEP290):c.712G>T(E238*) is expected to be pathogenic in the context of CEP290-related disorders. This variant is predicted to lead to an abnormal or absent protein product due to the creation of a premature termination codon in CEP290, a gene where loss-of-function variants are known to be pathogenic. Please note: this variant was assessed in the context of healthy population screening.

Baylor Genetics
Classification: Pathogenic for Bardet-Biedl syndrome 14. Last evaluated: 2023-07-22. Review status: criteria provided, single submitter. Criteria: ACMG Guidelines, 2015. Collection method: clinical testing. Allele origin: unknown.

Fulgent Genetics
Classification: Pathogenic for Joubert syndrome 5; Senior-Loken syndrome 6; Meckel syndrome, type 4; Leber congenital amaurosis 10; Bardet-Biedl syndrome 14. Last evaluated: 2021-10-04. Review status: criteria provided, single submitter. Criteria: ACMG Guidelines, 2015. Collection method: clinical testing. Allele origin: unknown.

GeneDx
Classification: Pathogenic. Last evaluated: 2020-01-31. Review status: criteria provided, single submitter. Criteria: GeneDx Variant Classification Process June 2021. Collection method: clinical testing. Allele origin: germline. Affected: yes.
Comment: Nonsense variant predicted to result in protein truncation or nonsense mediated decay in a gene for which loss-of-function is a known mechanism of disease; Not observed [at a significant frequency] in large population cohorts (Lek et al., 2016); This variant is associated with the following publications: (PMID: 29398085)

Literature cited by the submitters: PubMed 16909394 (cited by Labcorp Genetics (formerly Invitae), Labcorp); PubMed 17345604 (cited by Labcorp Genetics (formerly Invitae), Labcorp); PubMed 20690115 (cited by Labcorp Genetics (formerly Invitae), Labcorp); PubMed 29398085 (cited by 3 submitters).

NM_025114.4(CEP290):c.712G>T (p.Glu238Ter)

Gene: CEP290 (centrosomal protein 290; minus strand). Cytogenetic location: 12q21.32.
Variant type: single nucleotide variant.
Coding change: c.712G>T on transcript NM_025114.4 (MANE Select); coding-DNA position 712, G replaced by T.
Protein change: p.Glu238Ter; replaces glutamic acid 238 with a stop codon.
Molecular consequence: nonsense.
Genome position (GRCh38, 1-based): chr12:88,129,834, C>A on the plus strand (G>T on the coding strand, the complement: CEP290 is on the minus strand). VCF-style: chr12-88129834-C-A. GRCh37 (hg19) VCF-style: chr12-88523611-C-A.
Other names: short protein forms E238*.
Identifiers: ClinVar variation 1185813 (VCV001185813.14), dbSNP rs2138086844, ClinGen allele CA385985714.